The following is an entry in ClinVar:

ClinVar aggregate classification (germline): Uncertain significance. Review status: criteria provided, multiple submitters, no conflicts (2 of 4 stars). 10 submissions from 9 submitters: Uncertain significance (6). 4 of the submissions do not count toward it. Last evaluated 2024-10-02.

Conditions:
Male infertility. Identifiers: MedGen C0021364, MeSH D007248, MONDO:0005372, HP:0003251.
Primary ciliary dyskinesia. Also called: Ciliary dyskinesia. Identifiers: Orphanet 244, MedGen C0008780, MONDO:0016575, HP:0012265.
Infertility disorder. Also called: Infertility. Identifiers: MedGen C0021359, MeSH D007246, MONDO:0005047, HP:0000789.
Kartagener syndrome (CILD1). Also called: SIEWERT SYNDROME; Dextrocardia bronchiectasis and sinusitis; IMMOTILE CILIA SYNDROME; POLYNESIAN BRONCHIECTASIS; CILIARY DYSKINESIA, PRIMARY, 1; CILIARY DYSKINESIA, PRIMARY, 1, WITH OR WITHOUT SITUS INVERSUS. Identifiers: Orphanet 244, MedGen C4551906, MONDO:0009484, OMIM 244400.

Allele frequency attached by ClinVar (database versions not stated): ExAC 0.00022; gnomAD exomes 0.00025; gnomAD 0.00034 and 0.00035; TOPMed 0.00040; ESP Exome Variant Server 0.00046; 1000 Genomes Project 30x 0.00078; 1000 Genomes Project 0.00080.
gnomAD v4.1: 698 of 1,614,192 alleles (0.043%); highest among the groups gnomAD compares: Admixed American, 0.095%; no homozygotes.

Submissions (10):

Ambry Genetics
Classification: Uncertain significance for Primary ciliary dyskinesia. Last evaluated: 2024-10-02. Review status: criteria provided, single submitter. Criteria: Ambry Variant Classification Scheme 2023. Collection method: clinical testing. Allele origin: germline.
Comment: The p.R650C variant (also known as c.1948C>T), located in coding exon 19 of the DNAI1 gene, results from a C to T substitution at nucleotide position 1948. The arginine at codon 650 is replaced by cysteine, an amino acid with highly dissimilar properties. This amino acid position is highly conserved in available vertebrate species. In addition, this alteration is predicted to be deleterious by in silico analysis. Since supporting evidence is limited at this time, the clinical significance of this alteration remains unclear.

Blueprint Genetics
Classification: Uncertain significance. Last evaluated: 2024-05-23. Review status: criteria provided, single submitter. Criteria: ACMG Guidelines, 2015. Collection method: clinical testing. Allele origin: germline.

Johns Hopkins Genomics, Johns Hopkins University
Classification: Uncertain significance for Kartagener syndrome. Last evaluated: 2023-12-01. Review status: criteria provided, single submitter. Criteria: ACMG Guidelines, 2015. Collection method: clinical testing. Allele origin: germline.
Comment: This DNAI1 missense variant (rs140820295) is rare (<0.1%) in a large population dataset (gnomAD v4.0.0: 698/1614192 total alleles; 0.04%; no homozygotes). It has been reported in ClinVar (Variation ID 216677), but has not been reported in the literature, to our knowledge. Two bioinformatic tools queried predict that this substitution would be deleterious, and the arginine residue at this position is evolutionarily conserved across most of the species assessed. We consider the clinical significance of c.1948C>T in DNAI1 to be uncertain at this time.

Labcorp Genetics (formerly Invitae), Labcorp
Classification: Uncertain significance for Primary ciliary dyskinesia. Last evaluated: 2022-10-18. Review status: criteria provided, single submitter. Criteria: Invitae Variant Classification Sherloc (09022015). Collection method: clinical testing. Allele origin: germline.
Comment: This sequence change replaces arginine, which is basic and polar, with cysteine, which is neutral and slightly polar, at codon 650 of the DNAI1 protein (p.Arg650Cys). This variant is present in population databases (rs140820295, gnomAD 0.06%). This variant has not been reported in the literature in individuals affected with DNAI1-related conditions. ClinVar contains an entry for this variant (Variation ID: 216677). Advanced modeling of protein sequence and biophysical properties (such as structural, functional, and spatial information, amino acid conservation, physicochemical variation, residue mobility, and thermodynamic stability) has been performed at Invitae for this missense variant, however the output from this modeling did not meet the statistical confidence thresholds required to predict the impact of this variant on DNAI1 protein function. In summary, the available evidence is currently insufficient to determine the role of this variant in disease. Therefore, it has been classified as a Variant of Uncertain Significance.

Genome-Nilou Lab
Classification: Uncertain significance for Kartagener syndrome. Last evaluated: 2021-07-14. Review status: criteria provided, single submitter. Criteria: ACMG Guidelines, 2015. Collection method: clinical testing. Allele origin: germline. Affected: no.

Illumina Laboratory Services, Illumina
Classification: Uncertain significance for Kartagener syndrome. Last evaluated: 2018-01-12. Review status: criteria provided, single submitter. Criteria: ICSL Variant Classification Criteria 13 December 2019. Collection method: clinical testing. Allele origin: germline.

MAGI's Lab - Research, MAGI Group
Classification: Uncertain significance for Male infertility. Last evaluated: 2020-07-01. Review status: no assertion criteria provided. Collection method: provider interpretation. Allele origin: germline. Affected: yes. Not counted in ClinVar's aggregate classification.

Natera, Inc.
Classification: Uncertain significance for Primary ciliary dyskinesia. Last evaluated: 2020-01-16. Review status: no assertion criteria provided. Collection method: clinical testing. Allele origin: germline. Not counted in ClinVar's aggregate classification.

Counsyl
Classification: Uncertain significance for Kartagener syndrome. Last evaluated: 2017-03-24. Review status: no assertion criteria provided. Collection method: clinical testing. Allele origin: unknown. Not counted in ClinVar's aggregate classification.

MAGI's Lab - Research, MAGI Group
Classification: Uncertain significance for Infertility disorder. Review status: no assertion criteria provided. Collection method: provider interpretation. Allele origin: germline. Affected: yes. Not counted in ClinVar's aggregate classification.

Literature cited by the submitters: DOI 10.3389/fendo.2020.605237 (cited by MAGI's Lab - Research, MAGI Group).

NM_012144.4(DNAI1):c.1948C>T (p.Arg650Cys)

Gene: DNAI1 (dynein axonemal intermediate chain 1; plus strand). Cytogenetic location: 9p13.3.
Variant type: single nucleotide variant.
Coding change: c.1948C>T on transcript NM_012144.4 (MANE Select); coding-DNA position 1948, C replaced by T.
Protein change: p.Arg650Cys; replaces arginine 650 with cysteine.
Molecular consequence: missense variant.
Genome position (GRCh38, 1-based): chr9:34,517,414, C>T. VCF-style: chr9-34517414-C-T. GRCh37 (hg19) VCF-style: chr9-34517412-C-T.
Other names: c.1960C>T, p.Arg654Cys (NM_001281428.2); short protein forms R650C, R654C.
Identifiers: ClinVar variation 216677 (VCV000216677.33), dbSNP rs140820295, ClinGen allele CA338457.
Genomic context (GRCh38, chr9:34,517,414, plus strand): 5'-AACAGGCTCACCCACGTGCAGTTCAATCTCATCCACCCCATCATCATTGTGGGCGATGAC[C>T]GTGGGCACATCATCAGCCTCAAGCTCTCACCCAATTTGCGCAAGATGCCAAAGGTACAGG-3'
Protein context (NP_036276.1, residues 640-660): IHPIIIVGDD[Arg650Cys]GHIISLKLSP